The following is an entry in ClinVar:

NM_033004.4(NLRP1):c.2899A>T (p.Met967Leu)

Gene: NLRP1 (NLR family pyrin domain containing 1; minus strand). Cytogenetic location: 17p13.2.
Variant type: single nucleotide variant.
Coding change: c.2899A>T on transcript NM_033004.4 (MANE Select); coding-DNA position 2899, A replaced by T.
Protein change: p.Met967Leu; replaces methionine 967 with leucine.
Molecular consequence: missense variant. On other transcripts: intron variant (2).
Genome position (GRCh38, 1-based): chr17:5,536,912, T>A on the plus strand (A>T on the coding strand, the complement: NLRP1 is on the minus strand). VCF-style: chr17-5536912-T-A. GRCh37 (hg19) VCF-style: chr17-5440232-T-A.
Other names: c.2899A>T, p.Met967Leu (NM_001033053.3, NM_014922.5); c.2870+2503A>T (NM_033007.4, NM_033006.4); short protein forms M967L.
Identifiers: ClinVar variation 2997165 (VCV002997165.3), dbSNP rs768862341, ClinGen allele CA8327010.

ClinVar aggregate classification (germline): Uncertain significance (1 of 4 stars; one submission).

Allele frequency attached by ClinVar (database versions not stated): TOPMed below 0.00001; ExAC 0.00001.
gnomAD v4.1: 5 of 1,613,706 alleles (0.00031%); highest among the groups gnomAD compares: Admixed American, 0.0033%; no homozygotes.

Submission:

Labcorp Genetics (formerly Invitae), Labcorp
Classification: Uncertain significance. Last evaluated: 2023-06-24. Review status: criteria provided, single submitter. Criteria: Invitae Variant Classification Sherloc (09022015). Collection method: clinical testing. Allele origin: germline.
Comment: This sequence change replaces methionine, which is neutral and non-polar, with leucine, which is neutral and non-polar, at codon 967 of the NLRP1 protein (p.Met967Leu). This variant is present in population databases (rs768862341, gnomAD 0.006%). This variant has not been reported in the literature in individuals affected with NLRP1-related conditions. An algorithm developed to predict the effect of missense changes on protein structure and function (PolyPhen-2) suggests that this variant is likely to be tolerated. In summary, the available evidence is currently insufficient to determine the role of this variant in disease. Therefore, it has been classified as a Variant of Uncertain Significance.